The following is an entry in ClinVar:

NM_001288705.3(CSF1R):c.1749G>T (p.Gln583His)

Gene: CSF1R (colony stimulating factor 1 receptor; minus strand). Cytogenetic location: 5q32.
Variant type: single nucleotide variant.
Coding change: c.1749G>T on transcript NM_001288705.3 (MANE Select); coding-DNA position 1749, G replaced by T.
Protein change: p.Gln583His; replaces glutamine 583 with histidine.
Molecular consequence: missense variant. On other transcripts: non-coding transcript variant (2).
Genome position (GRCh38, 1-based): chr5:150,061,727, C>A on the plus strand (G>T on the coding strand, the complement: CSF1R is on the minus strand). VCF-style: chr5-150061727-C-A. GRCh37 (hg19) VCF-style: chr5-149441290-C-A.
Other names: c.1749G>T, p.Gln583His (NM_001349736.2, NM_001375320.1, NM_005211.4); c.1305G>T, p.Gln435His (NM_001375321.1); short protein forms Q583H, Q435H.
Identifiers: ClinVar variation 1410390 (VCV001410390.6), dbSNP rs2113792545, ClinGen allele CA361714227.

ClinVar aggregate classification (germline): Uncertain significance (1 of 4 stars; one submission).

gnomAD v4.1: 1 of 1,614,242 alleles (0.000062%); highest among the groups gnomAD compares: Non-Finnish European, 0.000085%; no homozygotes.

Submission:

Labcorp Genetics (formerly Invitae), Labcorp
Classification: Uncertain significance. Last evaluated: 2025-03-31. Review status: criteria provided, single submitter. Criteria: Invitae Variant Classification Sherloc (09022015). Collection method: clinical testing. Allele origin: germline.
Comment: This sequence change replaces glutamine, which is neutral and polar, with histidine, which is basic and polar, at codon 583 of the CSF1R protein (p.Gln583His). This variant is not present in population databases (gnomAD no frequency). This variant has not been reported in the literature in individuals affected with CSF1R-related conditions. ClinVar contains an entry for this variant (Variation ID: 1410390). Invitae Evidence Modeling of protein sequence and biophysical properties (such as structural, functional, and spatial information, amino acid conservation, physicochemical variation, residue mobility, and thermodynamic stability) indicates that this missense variant is not expected to disrupt CSF1R protein function with a negative predictive value of 95%. In summary, the available evidence is currently insufficient to determine the role of this variant in disease. Therefore, it has been classified as a Variant of Uncertain Significance.